The following is an entry in ClinVar:

NM_000535.7(PMS2):c.2470A>T (p.Thr824Ser)

Gene: PMS2 (PMS1 homolog 2, mismatch repair system component; minus strand). Cytogenetic location: 7p22.1.
Variant type: single nucleotide variant.
Coding change: c.2470A>T on transcript NM_000535.7 (MANE Select); coding-DNA position 2470, A replaced by T.
Protein change: p.Thr824Ser; replaces threonine 824 with serine.
Molecular consequence: missense variant. On other transcripts: non-coding transcript variant (1).
Genome position (GRCh38, 1-based): chr7:5,973,518, T>A on the plus strand (A>T on the coding strand, the complement: PMS2 is on the minus strand). VCF-style: chr7-5973518-T-A. GRCh37 (hg19) VCF-style: chr7-6013149-T-A.
Other names: c.1537A>T, p.Thr513Ser (NM_001322012.2, NM_001322011.2); c.1897A>T, p.Thr633Ser (NM_001322013.2, NM_001406908.1, NM_001406909.1); c.2503A>T, p.Thr835Ser (NM_001322014.2); c.2161A>T, p.Thr721Ser (NM_001322015.2, NM_001406877.1, NM_001406878.1 and 4 more transcripts); c.2656A>T, p.Thr886Ser (NM_001406866.1); c.2494A>T, p.Thr832Ser (NM_001406868.1); c.2362A>T, p.Thr788Ser (NM_001406869.1); c.2347A>T, p.Thr783Ser (NM_001406870.1); and 20 more; short protein forms T423S, T513S, T567S, T585S, T633S, T637S, T653S, T662S.
Identifiers: ClinVar variation 3232017 (VCV003232017.1), dbSNP rs1583270215, ClinGen allele CA366734994.

ClinVar aggregate classification (germline): Uncertain significance (1 of 4 stars; one submission).

Conditions:
Hereditary cancer-predisposing syndrome. Also called: Neoplastic Syndromes, Hereditary; Tumor predisposition; Hereditary neoplastic syndrome; Hereditary Cancer Syndrome. Identifiers: Orphanet 140162, MedGen C0027672, MeSH D009386, MONDO:0015356.

Submission:

Ambry Genetics
Classification: Uncertain significance for Hereditary cancer-predisposing syndrome. Last evaluated: 2023-10-12. Review status: criteria provided, single submitter. Criteria: Ambry Variant Classification Scheme 2023. Collection method: clinical testing. Allele origin: germline.
Comment: The p.T824S variant (also known as c.2470A>T), located in coding exon 15 of the PMS2 gene, results from an A to T substitution at nucleotide position 2470. The threonine at codon 824 is replaced by serine, an amino acid with similar properties. This amino acid position is conserved. In addition, this alteration is predicted to be tolerated by in silico analysis. Since supporting evidence is limited at this time, the clinical significance of this alteration remains unclear.